The following is an entry in ClinVar:

NM_001042492.3(NF1):c.7969G>C (p.Val2657Leu)

Gene: NF1 (neurofibromin 1; plus strand). Cytogenetic location: 17q11.2.
Variant type: single nucleotide variant.
Coding change: c.7969G>C on transcript NM_001042492.3 (MANE Select); coding-DNA position 7969, G replaced by C.
Protein change: p.Val2657Leu; replaces valine 2657 with leucine.
Molecular consequence: missense variant.
Genome position (GRCh38, 1-based): chr17:31,357,368, G>C. VCF-style: chr17-31357368-G-C. GRCh37 (hg19) VCF-style: chr17-29684386-G-C.
Other names: c.7906G>C, p.Val2636Leu (NM_000267.4); short protein forms V2636L, V2657L.
Identifiers: ClinVar variation 645302 (VCV000645302.5), dbSNP rs1597867034, ClinGen allele CA399203566.
Genomic context (GRCh38, chr17:31,357,368, plus strand): 5'-CGAATTCTTTATGAATACTTAGCAGAGGCCAGTGTTGTGTTTCCCAAAGTCTTTCCTGTT[G>C]TGTAAGTATCTCCTTTTGATTTTAATTCACCTTCGTGCCTGTCTTTAAGTTAAATGCTTA-3'
Protein context (NP_001035957.1, residues 2647-2667): SVVFPKVFPV[Val2657Leu]HNLLDSKINT

ClinVar aggregate classification (germline): Uncertain significance (1 of 4 stars; one submission).

Conditions:
Neurofibromatosis, type 1 (NF1). Also called: NEUROFIBROMATOSIS, TYPE I, SOMATIC; VON RECKLINGHAUSEN DISEASE; Neurofibromatosis, type I; Peripheral type neurofibromatosis. Identifiers: Orphanet 636, MedGen C0027831, MONDO:0018975, OMIM 162200. Disease mechanism: loss of function.

Submission:

Labcorp Genetics (formerly Invitae), Labcorp
Classification: Uncertain significance for Neurofibromatosis, type 1. Last evaluated: 2018-07-09. Review status: criteria provided, single submitter. Criteria: Invitae Variant Classification Sherloc (09022015). Collection method: clinical testing. Allele origin: germline.
Comment: In summary, the available evidence is currently insufficient to determine the role of this variant in disease. Therefore, it has been classified as a Variant of Uncertain Significance. This sequence change replaces valine with leucine at codon 2636 of the NF1 protein (p.Val2636Leu). The valine residue is moderately conserved and there is a small physicochemical difference between valine and leucine. This variant is not present in population databases (ExAC no frequency). This variant has not been reported in the literature in individuals with NF1-related disease. Algorithms developed to predict the effect of missense changes on protein structure and function are either unavailable or do not agree on the potential impact of this missense change (SIFT: "Tolerated"; PolyPhen-2: "Probably Damaging"; Align-GVGD: "Class C0").